The following is an entry in ClinVar:

ClinVar aggregate classification (germline): Uncertain significance. Review status: criteria provided, multiple submitters, no conflicts (2 of 4 stars). 3 submissions from 3 submitters: Uncertain significance (2). 1 of the submissions does not count toward it. Last evaluated 2023-10-03.

Conditions:
VPS13B-related disorder. Also called: VPS13B-related condition.
Cohen syndrome (COH1). Also called: PEPPER SYNDROME; Cutis verticis gyrata, retinitis pigmentosa, and sensorineural deafness. Identifiers: Orphanet 193, MedGen C0265223, MONDO:0008999, OMIM 216550.

gnomAD v4.1: 1 of 1,614,170 alleles (0.000062%); highest among the groups gnomAD compares: Non-Finnish European, 0.000085%; no homozygotes.

Submissions (3):

Labcorp Genetics (formerly Invitae), Labcorp
Classification: Uncertain significance for Cohen syndrome. Last evaluated: 2023-10-03. Review status: criteria provided, single submitter. Criteria: Invitae Variant Classification Sherloc (09022015). Collection method: clinical testing. Allele origin: germline.
Comment: This sequence change replaces proline, which is neutral and non-polar, with leucine, which is neutral and non-polar, at codon 3866 of the VPS13B protein (p.Pro3866Leu). This variant is not present in population databases (gnomAD no frequency). This variant has not been reported in the literature in individuals affected with VPS13B-related conditions. ClinVar contains an entry for this variant (Variation ID: 1000885). Advanced modeling of protein sequence and biophysical properties (such as structural, functional, and spatial information, amino acid conservation, physicochemical variation, residue mobility, and thermodynamic stability) performed at Invitae indicates that this missense variant is expected to disrupt VPS13B protein function. In summary, the available evidence is currently insufficient to determine the role of this variant in disease. Therefore, it has been classified as a Variant of Uncertain Significance.

PreventionGenetics, part of Exact Sciences
Classification: Uncertain significance for VPS13B-related condition. Last evaluated: 2022-12-14. Review status: criteria provided, single submitter. Criteria: ACMG Guidelines, 2015. Collection method: clinical testing. Allele origin: germline.
Comment: The VPS13B c.11522C>T variant is predicted to result in the amino acid substitution p.Pro3841Leu. To our knowledge, this variant has not been reported in the literature or in a large population database, indicating this variant is rare. At this time, the clinical significance of this variant is uncertain due to the absence of conclusive functional and genetic evidence.

Natera, Inc.
Classification: Uncertain significance for Cohen syndrome. Last evaluated: 2021-03-16. Review status: no assertion criteria provided. Collection method: clinical testing. Allele origin: germline. Not counted in ClinVar's aggregate classification.

NM_152564.5(VPS13B):c.11522C>T (p.Pro3841Leu)

Gene: VPS13B (vacuolar protein sorting 13 homolog B; plus strand). Cytogenetic location: 8q22.2.
Variant type: single nucleotide variant.
Coding change: c.11522C>T on transcript NM_152564.5 (MANE Select); coding-DNA position 11522, C replaced by T.
Protein change: p.Pro3841Leu; replaces proline 3841 with leucine.
Molecular consequence: missense variant.
Genome position (GRCh38, 1-based): chr8:99,871,474, C>T. VCF-style: chr8-99871474-C-T. GRCh37 (hg19) VCF-style: chr8-100883702-C-T.
Other names: c.11522C>T (NM_152564.4); c.11597C>T, p.Pro3866Leu (NM_017890.5); short protein forms P3841L, P3866L.
Identifiers: ClinVar variation 1000885 (VCV001000885.11), dbSNP rs752395430, ClinGen allele CA371793983.